The following is an entry in ClinVar:

NM_014979.4(SV2C):c.549C>T (p.Leu183=)

Gene: SV2C (synaptic vesicle glycoprotein 2C; plus strand). Cytogenetic location: 5q13.3.
Variant type: single nucleotide variant.
Coding change: c.549C>T on transcript NM_014979.4 (MANE Select); coding-DNA position 549, C replaced by T.
Protein change: p.Leu183=; no amino-acid change (leucine 183 retained).
Molecular consequence: synonymous variant.
Genome position (GRCh38, 1-based): chr5:76,132,299, C>T. VCF-style: chr5-76132299-C-T. GRCh37 (hg19) VCF-style: chr5-75428124-C-T.
Other names: c.549C>T, p.Leu183= (NM_001297716.2).
Identifiers: ClinVar variation 3045731 (VCV003045731.2), dbSNP rs2531192108, ClinGen allele CA444748393.

ClinVar aggregate classification (germline): Likely benign (0 of 4 stars; one submission).

Conditions:
SV2C-related disorder. Also called: SV2C-related condition.

Submission:

PreventionGenetics, part of Exact Sciences
Classification: Likely benign for SV2C-related condition. Last evaluated: 2019-02-20. Review status: no assertion criteria provided. Collection method: clinical testing. Allele origin: germline.
Comment: This variant is classified as likely benign based on ACMG/AMP sequence variant interpretation guidelines (Richards et al. 2015 PMID: 25741868, with internal and published modifications).